The following is an entry in ClinVar:

ClinVar aggregate classification (germline): Uncertain significance. Review status: criteria provided, multiple submitters, no conflicts (2 of 4 stars). 4 submissions from 4 submitters: Uncertain significance (4). Last evaluated 2026-01-08.

Conditions:
Hereditary cancer-predisposing syndrome. Also called: Hereditary neoplastic syndrome; Hereditary Cancer Syndrome; Neoplastic Syndromes, Hereditary; Tumor predisposition. Identifiers: Orphanet 140162, MedGen C0027672, MeSH D009386, MONDO:0015356.
Neuroblastoma, susceptibility to, 3. Also called: ALK-Related Neuroblastic Tumor Susceptibility. Identifiers: Orphanet 635, MedGen C2751681, MONDO:0013083, OMIM 613014.

Submissions (4):

Women's Health and Genetics/Laboratory Corporation of America, LabCorp
Classification: Uncertain significance. Last evaluated: 2026-01-08. Review status: criteria provided, single submitter. Criteria: LabCorp Variant Classification Summary - May 2015. Collection method: clinical testing. Allele origin: germline.

Ambry Genetics
Classification: Uncertain significance for Hereditary cancer-predisposing syndrome. Last evaluated: 2025-05-02. Review status: criteria provided, single submitter. Criteria: Ambry Variant Classification Scheme 2023. Collection method: clinical testing. Allele origin: germline.
Comment: The p.D397H variant (also known as c.1189G>C), located in coding exon 5 of the ALK gene, results from a G to C substitution at nucleotide position 1189. The aspartic acid at codon 397 is replaced by histidine, an amino acid with similar properties. This amino acid position is conserved. In addition, this alteration is predicted to be tolerated by in silico analysis. Based on the available evidence, the clinical significance of this variant remains unclear.

Labcorp Genetics (formerly Invitae), Labcorp
Classification: Uncertain significance for Neuroblastoma, susceptibility to, 3. Last evaluated: 2024-11-23. Review status: criteria provided, single submitter. Criteria: Invitae Variant Classification Sherloc (09022015). Collection method: clinical testing. Allele origin: germline.
Comment: This sequence change replaces aspartic acid, which is acidic and polar, with histidine, which is basic and polar, at codon 397 of the ALK protein (p.Asp397His). This variant is not present in population databases (gnomAD no frequency). This variant has not been reported in the literature in individuals affected with ALK-related conditions. ClinVar contains an entry for this variant (Variation ID: 1369576). An algorithm developed to predict the effect of missense changes on protein structure and function (PolyPhen-2) suggests that this variant is likely to be tolerated. In summary, the available evidence is currently insufficient to determine the role of this variant in disease. Therefore, it has been classified as a Variant of Uncertain Significance.

Baylor Genetics
Classification: Uncertain significance for Neuroblastoma, susceptibility to, 3. Last evaluated: 2024-01-19. Review status: criteria provided, single submitter. Criteria: ACMG Guidelines, 2015. Collection method: clinical testing. Allele origin: unknown.

NM_004304.5(ALK):c.1189G>C (p.Asp397His)

Gene: ALK (ALK receptor tyrosine kinase; minus strand). Cytogenetic location: 2p23.2.
Variant type: single nucleotide variant.
Coding change: c.1189G>C on transcript NM_004304.5 (MANE Select); coding-DNA position 1189, G replaced by C.
Protein change: p.Asp397His; replaces aspartic acid 397 with histidine.
Molecular consequence: missense variant.
Genome position (GRCh38, 1-based): chr2:29,383,825, C>G on the plus strand (G>C on the coding strand, the complement: ALK is on the minus strand). VCF-style: chr2-29383825-C-G. GRCh37 (hg19) VCF-style: chr2-29606691-C-G.
Other names: c.1189G>C (NM_004304.4); short protein forms D397H.
Identifiers: ClinVar variation 1369576 (VCV001369576.11), dbSNP rs747810439, ClinGen allele CA346585406.